The following is an entry in ClinVar:

ClinVar aggregate classification (germline): Conflicting classifications of pathogenicity. Review status: criteria provided, conflicting classifications (1 of 4 stars). 3 submissions from 3 submitters: Uncertain significance (1); Likely benign (2). Last evaluated 2023-02-17.

Conditions:
Lissencephaly due to LIS1 mutation (LIS1). Also called: PAFAH1B1-Related Lissencephaly/Subcortical Band Heterotopia; PAFAH1B1-Associated Lissencephaly/Subcortical Band Heterotopia; Isolated Lissencephaly Sequence. Identifiers: Orphanet 95232, MedGen C4749301, MONDO:0011830, OMIM 607432.

Allele frequency attached by ClinVar (database versions not stated): gnomAD exomes below 0.00001.
gnomAD v4.1: 2 of 1,555,630 alleles (0.00013%); highest among the groups gnomAD compares: Non-Finnish European, 0.00018%; no homozygotes.

Submissions (3):

Labcorp Genetics (formerly Invitae), Labcorp
Classification: Likely benign. Last evaluated: 2023-02-17. Review status: criteria provided, single submitter. Criteria: Invitae Variant Classification Sherloc (09022015). Collection method: clinical testing. Allele origin: germline.

Blueprint Genetics
Classification: Likely benign. Last evaluated: 2022-11-17. Review status: criteria provided, single submitter. Criteria: ACMG Guidelines, 2015. Collection method: clinical testing. Allele origin: germline.

Centre for Mendelian Genomics, University Medical Centre Ljubljana
Classification: Uncertain significance for Lissencephaly due to LIS1 mutation. Last evaluated: 2020-01-10. Review status: criteria provided, single submitter. Criteria: ACMG Guidelines, 2015. Collection method: clinical testing. Allele origin: unknown. Affected: yes.
Comment: This variant was classified as: Uncertain significance. The available evidence on this variant's pathogenicity is insufficient or conflicting. The following ACMG criteria were applied in classifying this variant: PM2.

NM_000430.4(PAFAH1B1):c.569-9G>A

Gene: PAFAH1B1 (platelet activating factor acetylhydrolase 1b regulatory subunit 1; plus strand). Cytogenetic location: 17p13.3.
Variant type: single nucleotide variant.
Coding change: c.569-9G>A on transcript NM_000430.4 (MANE Select); 9 bases into the intron before coding-DNA position 569, G replaced by A.
Molecular consequence: intron variant.
Genome position (GRCh38, 1-based): chr17:2,672,646, G>A. VCF-style: chr17-2672646-G-A. GRCh37 (hg19) VCF-style: chr17-2575940-G-A.
Identifiers: ClinVar variation 930294 (VCV000930294.7), dbSNP rs2069199944, ClinGen allele CA1139665070.